The following is an entry in ClinVar:

NM_006947.4(SRP72):c.499-3C>T

Gene: SRP72 (signal recognition particle 72; plus strand). Cytogenetic location: 4q12.
Variant type: single nucleotide variant.
Coding change: c.499-3C>T on transcript NM_006947.4 (MANE Select); 3 bases into the intron before coding-DNA position 499, C replaced by T.
Molecular consequence: intron variant.
Genome position (GRCh38, 1-based): chr4:56,474,277, C>T. VCF-style: chr4-56474277-C-T. GRCh37 (hg19) VCF-style: chr4-57340443-C-T.
Other names: c.499-3C>T (NM_001267722.2).
Identifiers: ClinVar variation 2878366 (VCV002878366.3), dbSNP rs760211942, ClinGen allele CA2931089.
Genomic context (GRCh38, chr4:56,474,277, plus strand): 5'-ACCCATACAGTCATGAATTATTATTCATATTTAGTATTTAACTGGTATTTTGTCCCCTGA[C>T]AGGAGAACCTGGGCCTCCAAGAAGGCACACATGAGCTGTGCTACAACACTGCATGTGCAC-3'

ClinVar aggregate classification (germline): Uncertain significance (1 of 4 stars; one submission).

Allele frequency attached by ClinVar (database versions not stated): gnomAD 0.00001; gnomAD exomes below 0.00001; TOPMed below 0.00001; ExAC 0.00001.
gnomAD v4.1: 2 of 1,613,804 alleles (0.00012%); highest among the groups gnomAD compares: Admixed American, 0.0017%; no homozygotes.

Submission:

Labcorp Genetics (formerly Invitae), Labcorp
Classification: Uncertain significance. Last evaluated: 2025-08-20. Review status: criteria provided, single submitter. Criteria: Invitae Variant Classification Sherloc (09022015). Collection method: clinical testing. Allele origin: germline.
Comment: This sequence change falls in intron 4 of the SRP72 gene. It does not directly change the encoded amino acid sequence of the SRP72 protein. It affects a nucleotide within the consensus splice site. This variant is present in population databases (rs760211942, gnomAD 0.0009%). This variant has not been reported in the literature in individuals affected with SRP72-related conditions. ClinVar contains an entry for this variant (Variation ID: 2878366). Variants that disrupt the consensus splice site are a relatively common cause of aberrant splicing (PMID: 17576681, 9536098). Algorithms developed to predict the effect of sequence changes on RNA splicing suggest that this variant is not likely to affect RNA splicing. In summary, the available evidence is currently insufficient to determine the role of this variant in disease. Therefore, it has been classified as a Variant of Uncertain Significance.

Literature cited by the submitters: PubMed 17576681; PubMed 9536098.